The following is an entry in ClinVar:

ClinVar aggregate classification (germline): Pathogenic (1 of 4 stars; one submission).

Conditions:
Isolated microphthalmia 6. Also called: MICROPHTHALMIA, POSTERIOR NONSYNDROMIC. Identifiers: Orphanet 2542, MedGen C3150757, MONDO:0013293, OMIM 613517.

Submission:

Labcorp Genetics (formerly Invitae), Labcorp
Classification: Pathogenic for Isolated microphthalmia 6. Last evaluated: 2022-11-28. Review status: criteria provided, single submitter. Criteria: Invitae Variant Classification Sherloc (09022015). Collection method: clinical testing. Allele origin: germline.
Comment: ClinVar contains an entry for this variant (Variation ID: 1385526). For these reasons, this variant has been classified as Pathogenic. This variant has not been reported in the literature in individuals affected with PRSS56-related conditions. This variant is not present in population databases (gnomAD no frequency). This sequence change creates a premature translational stop signal (p.Trp118*) in the PRSS56 gene. It is expected to result in an absent or disrupted protein product. Loss-of-function variants in PRSS56 are known to be pathogenic (PMID: 31266062, 31992737).

Literature cited by the submitters: PubMed 31266062; PubMed 31992737.

NM_001195129.2(PRSS56):c.353G>A (p.Trp118Ter)

Gene: PRSS56 (serine protease 56; plus strand). Cytogenetic location: 2q37.1.
Variant type: single nucleotide variant.
Coding change: c.353G>A on transcript NM_001195129.2 (MANE Select); coding-DNA position 353, G replaced by A.
Protein change: p.Trp118Ter; replaces tryptophan 118 with a stop codon.
Molecular consequence: nonsense.
Genome position (GRCh38, 1-based): chr2:232,522,067, G>A. VCF-style: chr2-232522067-G-A. GRCh37 (hg19) VCF-style: chr2-233386777-G-A.
Other names: c.353G>A, p.Trp118Ter (NM_001369848.1); short protein forms W118*.
Identifiers: ClinVar variation 1385526 (VCV001385526.6), dbSNP rs1430615320, ClinGen allele CA350985381.